The following is an entry in ClinVar:

NM_005982.4(SIX1):c.94A>T (p.Arg32Trp)

Gene: SIX1 (SIX homeobox 1; minus strand). Cytogenetic location: 14q23.1.
Variant type: single nucleotide variant.
Coding change: c.94A>T on transcript NM_005982.4 (MANE Select); coding-DNA position 94, A replaced by T.
Protein change: p.Arg32Trp; replaces arginine 32 with tryptophan.
Molecular consequence: missense variant.
Genome position (GRCh38, 1-based): chr14:60,649,096, T>A on the plus strand (A>T on the coding strand, the complement: SIX1 is on the minus strand). VCF-style: chr14-60649096-T-A. GRCh37 (hg19) VCF-style: chr14-61115814-T-A.
Other names: c.94A>T, p.Arg32Trp (NM_001425142.1); short protein forms R32W.
Identifiers: ClinVar variation 5008457 (VCV005008457.1).

ClinVar aggregate classification (germline): Uncertain significance (1 of 4 stars; one submission).

Submission:

GeneDx
Classification: Uncertain significance. Last evaluated: 2026-03-06. Review status: criteria provided, single submitter. Criteria: GeneDx Variant Classification Process June 2021. Collection method: clinical testing. Allele origin: germline.
Comment: Not observed at significant frequency in large population cohorts (gnomAD); In silico analysis supports that this missense variant has a deleterious effect on protein structure/function; Has not been previously published as pathogenic or benign to our knowledge